The following is an entry in ClinVar:

NM_001164665.2(KIAA1549):c.1363G>A (p.Val455Met)

Gene: KIAA1549 (KIAA1549; minus strand). Cytogenetic location: 7q34.
Variant type: single nucleotide variant.
Coding change: c.1363G>A on transcript NM_001164665.2 (MANE Select); coding-DNA position 1363, G replaced by A.
Protein change: p.Val455Met; replaces valine 455 with methionine.
Molecular consequence: missense variant.
Genome position (GRCh38, 1-based): chr7:138,918,263, C>T on the plus strand (G>A on the coding strand, the complement: KIAA1549 is on the minus strand). VCF-style: chr7-138918263-C-T. GRCh37 (hg19) VCF-style: chr7-138603009-C-T.
Other names: c.1363G>A, p.Val455Met (NM_020910.3); short protein forms V455M.
Identifiers: ClinVar variation 1017793 (VCV001017793.9), dbSNP rs778018617, ClinGen allele CA4506739.

ClinVar aggregate classification (germline): Uncertain significance (1 of 4 stars; one submission).

Allele frequency attached by ClinVar (database versions not stated): ExAC 0.00001; gnomAD exomes 0.00001; gnomAD 0.00003; TOPMed 0.00003.
gnomAD v4.1: 21 of 1,613,878 alleles (0.0013%); highest among the groups gnomAD compares: African/African-American, 0.0067%; no homozygotes.

Submission:

Labcorp Genetics (formerly Invitae), Labcorp
Classification: Uncertain significance. Last evaluated: 2020-08-14. Review status: criteria provided, single submitter. Criteria: Invitae Variant Classification Sherloc (09022015). Collection method: clinical testing. Allele origin: germline.
Comment: In summary, the available evidence is currently insufficient to determine the role of this variant in disease. Therefore, it has been classified as a Variant of Uncertain Significance. Algorithms developed to predict the effect of missense changes on protein structure and function (SIFT, PolyPhen-2, Align-GVGD) all suggest that this variant is likely to be tolerated, but these predictions have not been confirmed by published functional studies and their clinical significance is uncertain. This variant has not been reported in the literature in individuals with KIAA1549-related conditions. This variant is present in population databases (rs778018617, ExAC 0.009%). This sequence change replaces valine with methionine at codon 455 of the KIAA1549 protein (p.Val455Met). The valine residue is weakly conserved and there is a small physicochemical difference between valine and methionine.